The following is an entry in ClinVar:

ClinVar aggregate classification (germline): Benign (1 of 4 stars; one submission).

Submission:

CeGaT Center for Human Genetics Tuebingen
Classification: Benign. Last evaluated: 2026-09-01. Review status: criteria provided, single submitter. Criteria: CeGaT Center For Human Genetics Tuebingen Variant Classification Criteria Version 2. Collection method: clinical testing. Allele origin: germline. Affected: yes. Observed: 4 variant alleles.
Comment: ATM: BS1, BS2

NM_000051.4(ATM):c.-31+2140A>T

Gene: ATM (ATM serine/threonine kinase; plus strand). Cytogenetic location: 11q22.3.
Variant type: single nucleotide variant.
Coding change: c.-31+2140A>T on transcript NM_000051.4 (MANE Select); 2140 bases into the intron after 31 bases upstream of the start codon, A replaced by T.
Molecular consequence: intron variant.
Genome position (GRCh38, 1-based): chr11:108,225,326, A>T. VCF-style: chr11-108225326-A-T. GRCh37 (hg19) VCF-style: chr11-108096053-A-T.
Other names: c.-31+455A>T (NM_001351834.2); c.-31+2140A>T (NM_001351835.2); c.-31+1640A>T (NM_001351836.2).
Identifiers: ClinVar variation 5039932 (VCV005039932.1).